The following is an entry in ClinVar:

ClinVar aggregate classification (germline): Pathogenic (1 of 4 stars; one submission).

Conditions:
Ataxia-telangiectasia-like disorder (ATLD). Identifiers: MedGen C1858391, MONDO:0011457.

Submission:

Labcorp Genetics (formerly Invitae), Labcorp
Classification: Pathogenic for Ataxia-telangiectasia-like disorder. Last evaluated: 2024-01-11. Review status: criteria provided, single submitter. Criteria: Invitae Variant Classification Sherloc (09022015). Collection method: clinical testing. Allele origin: germline.
Comment: This sequence change creates a premature translational stop signal (p.Val328Alafs*18) in the MRE11 gene. It is expected to result in an absent or disrupted protein product. Loss-of-function variants in MRE11 are known to be pathogenic (PMID: 23080121, 23912341). This variant is not present in population databases (gnomAD no frequency). This variant has not been reported in the literature in individuals affected with MRE11-related conditions. For these reasons, this variant has been classified as Pathogenic.

Literature cited by the submitters: PubMed 23080121; PubMed 23912341.

NM_005591.4(MRE11):c.982_983insCCTGTATGGCTTG (p.Val328fs)

Gene: MRE11 (MRE11 double strand break repair nuclease; minus strand). Cytogenetic location: 11q21.
Variant type: Insertion.
Coding change: c.982_983insCCTGTATGGCTTG on transcript NM_005591.4 (MANE Select); coding-DNA positions 982 to 983, CCTGTATGGCTTG inserted.
Protein change: p.Val328fs; shifts the reading frame from valine 328.
Molecular consequence: frameshift variant.
Genome position: GRCh38 VCF-style: chr11-94470505-A-ACAAGCCATACAGG. GRCh37 (hg19) VCF-style: chr11-94203671-A-ACAAGCCATACAGG.
Other names: c.982_983insCCTGTATGGCTTG, p.Val328fs (NM_001330347.2, NM_005590.4); short protein forms V328fs.
Identifiers: ClinVar variation 2711782 (VCV002711782.3), dbSNP rs1946676671, ClinGen allele CA1992475671.